The following is an entry in ClinVar:

ClinVar aggregate classification (germline): Pathogenic (1 of 4 stars; one submission).

Conditions:
Ornithine carbamoyltransferase deficiency (OTCD). Also called: OTC DEFICIENCY; ORNITHINE TRANSCARBAMYLASE DEFICIENCY; ORNITHINE TRANSCARBAMYLASE DEFICIENCY, HYPERAMMONEMIA DUE TO; Ornithine Carbamoyltransferase Deficiency Disease. Identifiers: Orphanet 664, MedGen C0268542, MONDO:0010703, OMIM 311250.

Submission:

Labcorp Genetics (formerly Invitae), Labcorp
Classification: Pathogenic for Ornithine carbamoyltransferase deficiency. Last evaluated: 2021-06-23. Review status: criteria provided, single submitter. Criteria: Invitae Variant Classification Sherloc (09022015). Collection method: clinical testing. Allele origin: germline.
Comment: For these reasons, this variant has been classified as Pathogenic. Advanced modeling of protein sequence and biophysical properties (such as structural, functional, and spatial information, amino acid conservation, physicochemical variation, residue mobility, and thermodynamic stability) performed at Invitae indicates that this missense variant is expected to disrupt OTC protein function. This variant has been observed in individual(s) with OTC deficiency (Invitae). In at least one individual the variant was observed to be de novo. This variant is not present in population databases (ExAC no frequency). This sequence change replaces serine with tyrosine at codon 132 of the OTC protein (p.Ser132Tyr). The serine residue is highly conserved and there is a large physicochemical difference between serine and tyrosine.

NM_000531.6(OTC):c.395C>A (p.Ser132Tyr)

Gene: OTC (ornithine transcarbamylase; plus strand). Cytogenetic location: Xp11.4.
Variant type: single nucleotide variant.
Coding change: c.395C>A on transcript NM_000531.6 (MANE Select); coding-DNA position 395, C replaced by A.
Protein change: p.Ser132Tyr; replaces serine 132 with tyrosine.
Molecular consequence: missense variant.
Genome position (GRCh38, 1-based): chrX:38,401,283, C>A. VCF-style: chrX-38401283-C-A. GRCh37 (hg19) VCF-style: chrX-38260536-C-A.
Other names: short protein forms S132Y.
Identifiers: ClinVar variation 1454810 (VCV001454810.8), dbSNP rs72556254, ClinGen allele CA412722910.